The following is an entry in ClinVar:

ClinVar aggregate classification (germline): Uncertain significance. Review status: criteria provided, multiple submitters, no conflicts (2 of 4 stars). 2 submissions from 2 submitters: Uncertain significance (2). Last evaluated 2023-10-27.

Conditions:
Primary hyperoxaluria, type I (HP1). Also called: GLYCOLIC ACIDURIA; HEPATIC AGT DEFICIENCY; OXALOSIS I; Primary hyperoxaluria type 1. Identifiers: Orphanet 416, Orphanet 93598, MedGen C0268164, MONDO:0009823, OMIM 259900. Disease mechanism: loss of function.

Submissions (2):

Clinical Biochemistry Laboratory, Health Services Laboratory
Classification: Uncertain significance for Primary hyperoxaluria, type I. Last evaluated: 2023-10-27. Review status: criteria provided, single submitter. Criteria: ACMG Guidelines, 2015. Collection method: curation. Allele origin: germline. Affected: yes.
Comment: ACMG:PM2 PP4 BP4

Blueprint Genetics
Classification: Uncertain significance. Last evaluated: 2017-07-03. Review status: criteria provided, single submitter. Criteria: ACMG Guidelines, 2015. Collection method: clinical testing. Allele origin: germline.

Literature cited by the submitters: PubMed 32569165 (cited by Clinical Biochemistry Laboratory, Health Services Laboratory).

NM_000030.3(AGXT):c.799A>T (p.Ile267Phe)

Gene: AGXT (alanine--glyoxylate aminotransferase; plus strand). Cytogenetic location: 2q37.3.
Variant type: single nucleotide variant.
Coding change: c.799A>T on transcript NM_000030.3 (MANE Select); coding-DNA position 799, A replaced by T.
Protein change: p.Ile267Phe; replaces isoleucine 267 with phenylalanine.
Molecular consequence: missense variant.
Genome position (GRCh38, 1-based): chr2:240,875,957, A>T. VCF-style: chr2-240875957-A-T. GRCh37 (hg19) VCF-style: chr2-241815374-A-T.
Other names: short protein forms I267F.
Identifiers: ClinVar variation 2681188 (VCV002681188.2), dbSNP rs1246719671, ClinGen allele CA351318333.